The following is an entry in ClinVar:

NM_001369268.1(ACAN):c.644C>A (p.Thr215Asn)

Gene: ACAN (aggrecan; plus strand). Cytogenetic location: 15q26.1.
Variant type: single nucleotide variant.
Coding change: c.644C>A on transcript NM_001369268.1 (MANE Select); coding-DNA position 644, C replaced by A.
Protein change: p.Thr215Asn; replaces threonine 215 with asparagine.
Molecular consequence: missense variant.
Genome position (GRCh38, 1-based): chr15:88,841,754, C>A. VCF-style: chr15-88841754-C-A. GRCh37 (hg19) VCF-style: chr15-89384985-C-A.
Other names: c.644C>A, p.Thr215Asn (NM_001135.4, NM_001411096.1, NM_001411097.1 and 1 more transcripts); short protein forms T215N.
Identifiers: ClinVar variation 4997920 (VCV004997920.1).

ClinVar aggregate classification (germline): Uncertain significance (1 of 4 stars; one submission).

Conditions:
ACAN-related disorder. Also called: ACAN-related condition; ACAN-related disorders.

Submission:

PreventionGenetics, part of Exact Sciences
Classification: Uncertain significance for ACAN-related condition. Last evaluated: 2025-09-03. Review status: criteria provided, single submitter. Criteria: ACMG Guidelines, 2015. Collection method: clinical testing. Allele origin: germline.
Comment: The ACAN c.644C>A variant is predicted to result in the amino acid substitution p.Thr215Asn. To our knowledge, this variant has not been reported in the literature or in a large population database (gnomAD), indicating this variant is rare. At this time, the clinical significance of this variant is uncertain due to the absence of conclusive functional and genetic evidence.